The following is an entry in ClinVar:

NM_194248.3(OTOF):c.2392T>C (p.Cys798Arg)

Gene: OTOF (otoferlin; minus strand). Cytogenetic location: 2p23.3.
Variant type: single nucleotide variant.
Coding change: c.2392T>C on transcript NM_194248.3 (MANE Select); coding-DNA position 2392, T replaced by C.
Protein change: p.Cys798Arg; replaces cysteine 798 with arginine.
Molecular consequence: missense variant.
Genome position (GRCh38, 1-based): chr2:26,477,430, A>G on the plus strand (T>C on the coding strand, the complement: OTOF is on the minus strand). VCF-style: chr2-26477430-A-G. GRCh37 (hg19) VCF-style: chr2-26700298-A-G.
Other names: c.2392T>C, p.Cys798Arg (NM_001287489.2); c.151T>C, p.Cys51Arg (NM_004802.4, NM_194323.3); c.322T>C, p.Cys108Arg (NM_194322.3); short protein forms C798R, C108R, C51R.
Identifiers: ClinVar variation 2182237 (VCV002182237.1), dbSNP rs1028297669, ClinGen allele CA44398468.

ClinVar aggregate classification (germline): Uncertain significance (1 of 4 stars; one submission).

Allele frequency attached by ClinVar (database versions not stated): TOPMed below 0.00001.
gnomAD v4.1: 16 of 1,592,132 alleles (0.001%); highest among the groups gnomAD compares: Non-Finnish European, 0.0012%; no homozygotes.

Submission:

Labcorp Genetics (formerly Invitae), Labcorp
Classification: Uncertain significance. Last evaluated: 2021-12-22. Review status: criteria provided, single submitter. Criteria: Invitae Variant Classification Sherloc (09022015). Collection method: clinical testing. Allele origin: germline.
Comment: This sequence change replaces cysteine, which is neutral and slightly polar, with arginine, which is basic and polar, at codon 798 of the OTOF protein (p.Cys798Arg). This variant is not present in population databases (gnomAD no frequency). This variant has not been reported in the literature in individuals affected with OTOF-related conditions. Algorithms developed to predict the effect of missense changes on protein structure and function (SIFT, PolyPhen-2, Align-GVGD) all suggest that this variant is likely to be disruptive. In summary, the available evidence is currently insufficient to determine the role of this variant in disease. Therefore, it has been classified as a Variant of Uncertain Significance.